The following is an entry in ClinVar:

ClinVar aggregate classification (germline): Uncertain significance. Review status: criteria provided, multiple submitters, no conflicts (2 of 4 stars). 2 submissions from 2 submitters: Uncertain significance (2). Last evaluated 2024-11-13.

Conditions:
Hereditary cancer-predisposing syndrome. Also called: Neoplastic Syndromes, Hereditary; Tumor predisposition; Hereditary neoplastic syndrome; Hereditary Cancer Syndrome. Identifiers: Orphanet 140162, MedGen C0027672, MeSH D009386, MONDO:0015356.
Hereditary nonpolyposis colorectal neoplasms. Identifiers: MedGen C0009405, MeSH D003123.

Submissions (2):

Labcorp Genetics (formerly Invitae), Labcorp
Classification: Uncertain significance for Hereditary nonpolyposis colorectal neoplasms. Last evaluated: 2024-11-13. Review status: criteria provided, single submitter. Criteria: Invitae Variant Classification Sherloc (09022015). Collection method: clinical testing. Allele origin: germline.
Comment: This sequence change replaces aspartic acid, which is acidic and polar, with alanine, which is neutral and non-polar, at codon 116 of the MSH6 protein (p.Asp116Ala). This variant is not present in population databases (gnomAD no frequency). This variant has not been reported in the literature in individuals affected with MSH6-related conditions. ClinVar contains an entry for this variant (Variation ID: 2453183). Invitae Evidence Modeling of protein sequence and biophysical properties (such as structural, functional, and spatial information, amino acid conservation, physicochemical variation, residue mobility, and thermodynamic stability) indicates that this missense variant is not expected to disrupt MSH6 protein function with a negative predictive value of 95%. In summary, the available evidence is currently insufficient to determine the role of this variant in disease. Therefore, it has been classified as a Variant of Uncertain Significance.

Ambry Genetics
Classification: Uncertain significance for Hereditary cancer-predisposing syndrome. Last evaluated: 2022-12-25. Review status: criteria provided, single submitter. Criteria: Ambry Variant Classification Scheme 2023. Collection method: clinical testing. Allele origin: germline.
Comment: The p.D116A variant (also known as c.347A>C), located in coding exon 2 of the MSH6 gene, results from an A to C substitution at nucleotide position 347. The aspartic acid at codon 116 is replaced by alanine, an amino acid with dissimilar properties. This amino acid position is conserved. In addition, this alteration is predicted to be tolerated by in silico analysis. Since supporting evidence is limited at this time, the clinical significance of this alteration remains unclear.

NM_000179.3(MSH6):c.347A>C (p.Asp116Ala)

Gene: MSH6 (mutS homolog 6; plus strand). Cytogenetic location: 2p16.3.
Variant type: single nucleotide variant.
Coding change: c.347A>C on transcript NM_000179.3 (MANE Select); coding-DNA position 347, A replaced by C.
Protein change: p.Asp116Ala; replaces aspartic acid 116 with alanine.
Molecular consequence: missense variant. On other transcripts: 5 prime UTR variant (7), non-coding transcript variant (5), intron variant (6).
Genome position (GRCh38, 1-based): chr2:47,791,013, A>C. VCF-style: chr2-47791013-A-C. GRCh37 (hg19) VCF-style: chr2-48018152-A-C.
Other names: c.-390A>C (NM_001281493.2, NM_001406811.1, NM_001406823.1 and 1 more transcripts); c.-556A>C (NM_001281494.2); c.443A>C, p.Asp148Ala (NM_001406795.1, NM_001406802.1); c.347A>C, p.Asp116Ala (NM_001406796.1, NM_001406798.1, NM_001406800.1 and 6 more transcripts); c.50A>C, p.Asp17Ala (NM_001406797.1, NM_001406801.1, NM_001406805.1 and 10 more transcripts); c.269A>C, p.Asp90Ala (NM_001406804.1); c.-582A>C (NM_001406807.1); c.-648A>C (NM_001406814.1); and 6 more; short protein forms D148A, D17A, D90A, D116A, D60A.
Identifiers: ClinVar variation 2453183 (VCV002453183.4), dbSNP rs1553410255, ClinGen allele CA346736981.
Genomic context (GRCh38, chr2:47,791,013, plus strand): 5'-TTTGGGCCAAGATGGAGGGTTACCCCTGGTGGCCTTGTCTGGTTTACAACCACCCCTTTG[A>C]TGGAACATTCATCCGCGAGAAAGGGAAATCAGTCCGTGTTCATGTACAGTTTTTTGATGA-3'
Protein context (NP_000170.1, residues 106-126): WPCLVYNHPF[Asp116Ala]GTFIREKGKS